The following is an entry in ClinVar:

ClinVar aggregate classification (germline): Conflicting classifications of pathogenicity. Review status: criteria provided, conflicting classifications (1 of 4 stars). 6 submissions from 6 submitters: Uncertain significance (4); Likely benign (2). Last evaluated 2025-12-07.

Conditions:
Bethlem myopathy 1A. Also called: Bethlem myopathy 1; Bethlem Muscular Dystrophy; MYOPATHY, BENIGN CONGENITAL, WITH CONTRACTURES. Identifiers: Orphanet 610, MedGen CN029274, MONDO:0024530, OMIM 158810.

Allele frequency attached by ClinVar (database versions not stated): gnomAD exomes 0.00011 and 0.00029; TOPMed 0.00012; gnomAD 0.00015 and 0.00016; ExAC 0.00021.
gnomAD v4.1: 435 of 1,603,086 alleles (0.027%); highest among the groups gnomAD compares: Non-Finnish European, 0.035%; no homozygotes.

Submissions (6):

Labcorp Genetics (formerly Invitae), Labcorp
Classification: Likely benign for Bethlem myopathy 1A. Last evaluated: 2025-12-07. Review status: criteria provided, single submitter. Criteria: Invitae Variant Classification Sherloc (09022015). Collection method: clinical testing. Allele origin: germline.

Laboratory of Genetics, Children's Clinical University Hospital Latvia
Classification: Likely benign. Last evaluated: 2025-02-16. Review status: criteria provided, single submitter. Criteria: ACMG Guidelines, 2015. Collection method: clinical testing. Allele origin: germline. Affected: yes.

CeGaT Center for Human Genetics Tuebingen
Classification: Uncertain significance. Last evaluated: 2024-06-01. Review status: criteria provided, single submitter. Criteria: CeGaT Center For Human Genetics Tuebingen Variant Classification Criteria Version 2. Collection method: clinical testing. Allele origin: germline. Affected: yes. Observed: 1 variant allele.
Comment: COL6A1: PP3

Revvity Omics, Revvity
Classification: Uncertain significance. Last evaluated: 2021-02-12. Review status: criteria provided, single submitter. Criteria: ACMG Guidelines, 2015. Collection method: clinical testing. Allele origin: germline.

GeneDx
Classification: Uncertain significance. Last evaluated: 2019-07-12. Review status: criteria provided, single submitter. Criteria: GeneDx Variant Classification Process June 2021. Collection method: clinical testing. Allele origin: germline. Affected: yes.
Comment: Identified in an individual with Bethlem myopathy, who also harbored a variant in the COL6A3 gene; clinical information and segregation information was not provided (Lampe et al., 2005); Identified in an individual with clinically suspected LGMD, however further clinical information was not provided and the authors classified K571T as a variant of uncertain significance (Nallamilli et al, 2018); In silico analysis, which includes protein predictors and evolutionary conservation, supports a deleterious effect; This variant is associated with the following publications: (PMID: 25525159, 15689448, 30564623)

Eurofins Ntd Llc (ga)
Classification: Uncertain significance. Last evaluated: 2017-09-14. Review status: criteria provided, single submitter. Criteria: EGL Classification Definitions 2015. Collection method: clinical testing. Allele origin: germline. Observed: 3 variant alleles, 3 heterozygotes.

NM_001848.3(COL6A1):c.1712A>C (p.Lys571Thr)

Gene: COL6A1 (collagen type VI alpha 1 chain; plus strand). Cytogenetic location: 21q22.3.
Variant type: single nucleotide variant.
Coding change: c.1712A>C on transcript NM_001848.3 (MANE Select); coding-DNA position 1712, A replaced by C.
Protein change: p.Lys571Thr; replaces lysine 571 with threonine.
Molecular consequence: missense variant.
Genome position (GRCh38, 1-based): chr21:45,999,190, A>C. VCF-style: chr21-45999190-A-C. GRCh37 (hg19) VCF-style: chr21-47419104-A-C.
Other names: short protein forms K571T.
Identifiers: ClinVar variation 289470 (VCV000289470.38), dbSNP rs751040647, ClinGen allele CA10070496.
Genomic context (GRCh38, chr21:45,999,190, plus strand): 5'-GACACAACGCTGTTCCCTTCTAGAACAACGACATTGCACCCCGAGGAGTCAAAGGAGCAA[A>C]GGGGTACCGGGGTCCCGAGGGCCCCCAGGTGGGTGGATGTGGCTGGGTGAGGCCACGGTG-3'
Protein context (NP_001839.2, residues 561-581): DIAPRGVKGA[Lys571Thr]GYRGPEGPQG